The following is an entry in ClinVar:

ClinVar aggregate classification (germline): Uncertain significance. Review status: criteria provided, multiple submitters, no conflicts (2 of 4 stars). 2 submissions from 2 submitters: Uncertain significance (2). Last evaluated 2024-04-19.

Conditions:
Hereditary spastic paraplegia 11. Also called: SPASTIC PARAPLEGIA, AUTOSOMAL RECESSIVE, COMPLICATED, WITH THIN CORPUS CALLOSUM; SPASTIC PARAPLEGIA, AUTOSOMAL RECESSIVE, WITH MENTAL IMPAIRMENT AND THIN CORPUS CALLOSUM; Spastic paraplegia, mental retardation and thin corpus callosum; Nakamura Osame syndrome; Autosomal recessive hereditary spastic paraplegia, mental impairment, and thin corpus callosum; Spastic Paraplegia 11. Identifiers: Orphanet 2822, MedGen C1858479, MONDO:0011445, OMIM 604360.

Allele frequency attached by ClinVar (database versions not stated): gnomAD exomes below 0.00001; TOPMed below 0.00001.
gnomAD v4.1: 3 of 1,614,118 alleles (0.00019%); highest among the groups gnomAD compares: Non-Finnish European, 0.000085%; no homozygotes.

Submissions (2):

Athena Diagnostics
Classification: Uncertain significance. Last evaluated: 2024-04-19. Review status: criteria provided, single submitter. Criteria: Athena Diagnostics Criteria. Collection method: clinical testing. Allele origin: unknown.
Comment: Available data are insufficient to determine the clinical significance of the variant at this time. This variant has not been reported in large, multi-ethnic general populations. Polyphen and MutationTaster predict this amino acid change may be benign.

Labcorp Genetics (formerly Invitae), Labcorp
Classification: Uncertain significance for Hereditary spastic paraplegia 11. Last evaluated: 2021-08-20. Review status: criteria provided, single submitter. Criteria: Invitae Variant Classification Sherloc (09022015). Collection method: clinical testing. Allele origin: germline.
Comment: This sequence change replaces isoleucine with valine at codon 897 of the SPG11 protein (p.Ile897Val). The isoleucine residue is weakly conserved and there is a small physicochemical difference between isoleucine and valine. This variant is not present in population databases (ExAC no frequency). This variant has not been reported in the literature in individuals affected with SPG11-related conditions. Algorithms developed to predict the effect of missense changes on protein structure and function output the following: SIFT: "Tolerated"; PolyPhen-2: "Benign"; Align-GVGD: "Class C0". The valine amino acid residue is found in multiple mammalian species, which suggests that this missense change does not adversely affect protein function. In summary, the available evidence is currently insufficient to determine the role of this variant in disease. Therefore, it has been classified as a Variant of Uncertain Significance.

NM_025137.4(SPG11):c.2689A>G (p.Ile897Val)

Gene: SPG11 (SPG11 vesicle trafficking associated, spatacsin; minus strand). Cytogenetic location: 15q21.1.
Variant type: single nucleotide variant.
Coding change: c.2689A>G on transcript NM_025137.4 (MANE Select); coding-DNA position 2689, A replaced by G.
Protein change: p.Ile897Val; replaces isoleucine 897 with valine.
Molecular consequence: missense variant.
Genome position (GRCh38, 1-based): chr15:44,620,335, T>C on the plus strand (A>G on the coding strand, the complement: SPG11 is on the minus strand). VCF-style: chr15-44620335-T-C. GRCh37 (hg19) VCF-style: chr15-44912533-T-C.
Other names: c.2689A>G, p.Ile897Val (NM_001160227.2); c.2689A>G (NM_025137.3); short protein forms I897V.
Identifiers: ClinVar variation 1503145 (VCV001503145.6), dbSNP rs2083707431, ClinGen allele CA392230846.
Genomic context (GRCh38, chr15:44,620,335, plus strand): 5'-ATTTGTTCTGCTGAAGTGAAGCATAACTATGCTGGGTTTGAAATTCTCCAATCCATAAGA[T>C]AATGTTTAACCAATCATGGCGAGCTGTGAGGTATCTCCAGAGGGCTTCAGGGGAATATGA-3'
Protein context (NP_079413.3, residues 887-907): LTARHDWLNI[Ile897Val]LWIGEFQTQH